The following is an entry in ClinVar:

ClinVar aggregate classification (germline): Likely benign. Review status: criteria provided, multiple submitters, no conflicts (2 of 4 stars). 4 submissions from 4 submitters: Likely benign (4). Last evaluated 2025-09-09.

Conditions:
Cardiovascular phenotype. Identifiers: MedGen CN230736.
3-Methylglutaconic aciduria type 2 (BTHS). Also called: CARDIOSKELETAL MYOPATHY WITH NEUTROPENIA AND ABNORMAL MITOCHONDRIA; Barth syndrome. Identifiers: Orphanet 111, MedGen C0574083, MONDO:0010543, OMIM 302060.

Allele frequency attached by ClinVar (database versions not stated): gnomAD 0.00001; gnomAD exomes 0.00001; TOPMed 0.00002.

Submissions (4):

Labcorp Genetics (formerly Invitae), Labcorp
Classification: Likely benign for 3-Methylglutaconic aciduria type 2. Last evaluated: 2025-09-09. Review status: criteria provided, single submitter. Criteria: Invitae Variant Classification Sherloc (09022015). Collection method: clinical testing. Allele origin: germline.

Blueprint Genetics
Classification: Likely benign. Last evaluated: 2023-11-17. Review status: criteria provided, single submitter. Criteria: ACMG Guidelines, 2015. Collection method: clinical testing. Allele origin: germline.

Ambry Genetics
Classification: Likely benign for Cardiovascular phenotype. Last evaluated: 2019-06-13. Review status: criteria provided, single submitter. Criteria: Ambry Variant Classification Scheme 2023. Collection method: clinical testing. Allele origin: germline.

GeneDx
Classification: Likely benign. Last evaluated: 2017-09-18. Review status: criteria provided, single submitter. Criteria: GeneDx Variant Classification (06012015). Collection method: clinical testing. Allele origin: germline. Affected: yes.
Comment: This variant is considered likely benign or benign based on one or more of the following criteria: it is a conservative change, it occurs at a poorly conserved position in the protein, it is predicted to be benign by multiple in silico algorithms, and/or has population frequency not consistent with disease.

NM_000116.5(TAFAZZIN):c.762G>A (p.Ala254=)

Gene: TAFAZZIN (tafazzin, phospholipid-lysophospholipid transacylase; plus strand). Cytogenetic location: Xq28.
Variant type: single nucleotide variant.
Coding change: c.762G>A on transcript NM_000116.5 (MANE Select); coding-DNA position 762, G replaced by A.
Protein change: p.Ala254=; no amino-acid change (alanine 254 retained).
Molecular consequence: synonymous variant. On other transcripts: non-coding transcript variant (1).
Genome position (GRCh38, 1-based): chrX:154,420,720, G>A. VCF-style: chrX-154420720-G-A. GRCh37 (hg19) VCF-style: chrX-153649059-G-A.
Other names: c.774G>A, p.Ala258= (NM_001303465.2); c.672G>A, p.Ala224= (NM_181311.4); c.720G>A, p.Ala240= (NM_181312.4); c.630G>A, p.Ala210= (NM_181313.4).
Identifiers: ClinVar variation 512063 (VCV000512063.11), dbSNP rs1042313041, ClinGen allele CA337288750.